The following is an entry in ClinVar:

NM_001127649.3(PEX26):c.*2311G>T

Gene: PEX26 (peroxisomal biogenesis factor 26; plus strand). Cytogenetic location: 22q11.21.
Variant type: single nucleotide variant.
Coding change: c.*2311G>T on transcript NM_001127649.3 (MANE Select); 2311 bases downstream of the stop codon, G replaced by T.
Molecular consequence: 3 prime UTR variant.
Genome position (GRCh38, 1-based): chr22:18,090,386, G>T. VCF-style: chr22-18090386-G-T. GRCh37 (hg19) VCF-style: chr22-18573152-G-T.
Other names: c.*2311G>T (NM_001199319.2, NM_017929.6).
Identifiers: ClinVar variation 340809 (VCV000340809.5), dbSNP rs74714634, ClinGen allele CA10650868.
Genomic context (GRCh38, chr22:18,090,386, plus strand): 5'-CCCTTTGATGTGGGTCCCCTGTTGATTATATGTGCGGCCTTCCAGCTGCCCACCATCACA[G>T]CTACAGCTCGCTCCCCTTGGCCTCTGTGCCTTGGCTCGCACTGTTCCTACTGAAGGCCTA-3'

ClinVar aggregate classification (germline): Likely benign (1 of 4 stars; one submission).

Conditions:
Peroxisome biogenesis disorder 7A (Zellweger). Also called: Peroxisome biogenesis disorder 7A. Identifiers: Orphanet 912, MedGen C3888385, MONDO:0013938, OMIM 614872.

Allele frequency attached by ClinVar (database versions not stated): 1000 Genomes Project 0.00479; gnomAD 0.00492 and 0.00524; TOPMed 0.00548; 1000 Genomes Project 30x 0.00562.

Submission:

Illumina Laboratory Services, Illumina
Classification: Likely benign for Peroxisome biogenesis disorder 7A (Zellweger). Last evaluated: 2018-01-12. Review status: criteria provided, single submitter. Criteria: ICSL Variant Classification Criteria 13 December 2019. Collection method: clinical testing. Allele origin: germline.
Comment: This variant was observed in the ICSL laboratory as part of a predisposition screen in an ostensibly healthy population. It had not been previously curated by ICSL or reported in the Human Gene Mutation Database (HGMD: prior to June 1st, 2018), and was therefore a candidate for classification through an automated scoring system. Utilizing variant allele frequency, disease prevalence and penetrance estimates, and inheritance mode, an automated score was calculated to assess if this variant is too frequent to cause the disease. Based on the score and internal cut-off values, a variant classified as likely benign is not then subjected to further curation. The score for this variant resulted in a classification of likely benign for this disease.